The following is an entry in ClinVar:

ClinVar aggregate classification (germline): Uncertain significance (1 of 4 stars; one submission).

Conditions:
Juvenile onset Parkinson disease 19A. Also called: DNAJC6 Parkinson Disease; PARK19. Identifiers: Orphanet 391411, MedGen C3809811, MONDO:0014231, OMIM 615528.

Allele frequency attached by ClinVar (database versions not stated): ExAC 0.00001; gnomAD 0.00001 and 0.00002; gnomAD exomes 0.00001 and 0.00002; TOPMed 0.00002; ESP Exome Variant Server 0.00008.
gnomAD v4.1: 13 of 1,612,598 alleles (0.00081%); highest among the groups gnomAD compares: African/African-American, 0.012%; 1 homozygote.

Submission:

Labcorp Genetics (formerly Invitae), Labcorp
Classification: Uncertain significance for Juvenile onset Parkinson disease 19A. Last evaluated: 2017-09-03. Review status: criteria provided, single submitter. Criteria: Invitae Variant Classification Sherloc (09022015). Collection method: clinical testing. Allele origin: germline.
Comment: This sequence change replaces aspartic acid with glycine at codon 278 of the DNAJC6 protein (p.Asp278Gly). The aspartic acid residue is moderately conserved and there is a moderate physicochemical difference between aspartic acid and glycine. This variant is present in population databases (rs368290134, ExAC 0.01%). This variant has not been reported in the literature in individuals with DNAJC6-related disease. Algorithms developed to predict the effect of missense changes on protein structure and function do not agree on the potential impact of this missense change (SIFT: "Tolerated"; PolyPhen-2: "Possibly Damaging"; Align-GVGD: "Class C0"). In summary, the available evidence is currently insufficient to determine the role of this variant in disease. Therefore, it has been classified as a Variant of Uncertain Significance.

NM_001256864.2(DNAJC6):c.833A>G (p.Asp278Gly)

Gene: DNAJC6 (DnaJ heat shock protein family (Hsp40) member C6; plus strand). Cytogenetic location: 1p31.3.
Variant type: single nucleotide variant.
Coding change: c.833A>G on transcript NM_001256864.2 (MANE Select); coding-DNA position 833, A replaced by G.
Protein change: p.Asp278Gly; replaces aspartic acid 278 with glycine.
Molecular consequence: missense variant.
Genome position (GRCh38, 1-based): chr1:65,385,744, A>G. VCF-style: chr1-65385744-A-G. GRCh37 (hg19) VCF-style: chr1-65851427-A-G.
Other names: c.623A>G, p.Asp208Gly (NM_001256865.2); c.662A>G, p.Asp221Gly (NM_014787.4); short protein forms D278G, D208G, D221G.
Identifiers: ClinVar variation 541543 (VCV000541543.8), dbSNP rs368290134, ClinGen allele CA893773.